The following is an entry in ClinVar:

ClinVar aggregate classification (germline): Uncertain significance (1 of 4 stars; one submission).

Conditions:
Brugada syndrome 8 (BRGDA8). Identifiers: Orphanet 130, MedGen C2751083, MONDO:0013148, OMIM 613123.

Submission:

Labcorp Genetics (formerly Invitae), Labcorp
Classification: Uncertain significance for Brugada syndrome 8. Last evaluated: 2025-01-20. Review status: criteria provided, single submitter. Criteria: Invitae Variant Classification Sherloc (09022015). Collection method: clinical testing. Allele origin: germline.
Comment: This sequence change replaces serine, which is neutral and polar, with cysteine, which is neutral and slightly polar, at codon 1166 of the HCN4 protein (p.Ser1166Cys). This variant is not present in population databases (gnomAD no frequency). This variant has not been reported in the literature in individuals affected with HCN4-related conditions. Invitae Evidence Modeling of protein sequence and biophysical properties (such as structural, functional, and spatial information, amino acid conservation, physicochemical variation, residue mobility, and thermodynamic stability) indicates that this missense variant is not expected to disrupt HCN4 protein function with a negative predictive value of 95%. In summary, the available evidence is currently insufficient to determine the role of this variant in disease. Therefore, it has been classified as a Variant of Uncertain Significance.

NM_005477.3(HCN4):c.3497C>G (p.Ser1166Cys)

Gene: HCN4 (hyperpolarization activated cyclic nucleotide gated potassium channel 4; minus strand). Cytogenetic location: 15q24.1.
Variant type: single nucleotide variant.
Coding change: c.3497C>G on transcript NM_005477.3 (MANE Select); coding-DNA position 3497, C replaced by G.
Protein change: p.Ser1166Cys; replaces serine 1166 with cysteine.
Molecular consequence: missense variant.
Genome position (GRCh38, 1-based): chr15:73,322,596, G>C on the plus strand (C>G on the coding strand, the complement: HCN4 is on the minus strand). VCF-style: chr15-73322596-G-C. GRCh37 (hg19) VCF-style: chr15-73614937-G-C.
Other names: short protein forms S1166C.
Identifiers: ClinVar variation 3636604 (VCV003636604.2).
Genomic context (GRCh38, chr15:73,322,596, plus strand): 5'-CTCTGGGGTCCAGCAGTCAGAGGGGGCCCCCCAGAAGAGGTGGCTCTTGCCCCAAACAAA[G>C]ACAGAGGGGGTGGCAAAGAACCTGAGGATGTCTTCCGAGGCAGAGTGACGTGCTGGCCGG-3'
Protein context (NP_005468.1, residues 1156-1176): TSSGSLPPPL[Ser1166Cys]LFGARATSSG